The following continues an entry in ClinVar:

NM_001267550.2(TTN):c.34970G>A (p.Arg11657His)

Gene: TTN. ClinVar aggregate classification (germline): Benign/Likely benign. Benign (18); Likely benign (5).

Submissions 18 to 27 of 27:

Genetic Services Laboratory, University of Chicago
Classification: Benign. Last evaluated: 2014-08-14. Review status: criteria provided, single submitter. Criteria: ACMG Guidelines, 2015. Collection method: clinical testing. Allele origin: germline.

GeneDx
Classification: Benign. Last evaluated: 2014-04-07. Review status: criteria provided, single submitter. Criteria: GeneDx Variant Classification (06012015). Collection method: clinical testing. Allele origin: germline. Affected: yes.
Comment: This variant is considered likely benign or benign based on one or more of the following criteria: it is a conservative change, it occurs at a poorly conserved position in the protein, it is predicted to be benign by multiple in silico algorithms, and/or has population frequency not consistent with disease.

Ambry Genetics
Classification: Benign for Cardiovascular phenotype. Last evaluated: 2013-07-22. Review status: criteria provided, single submitter. Criteria: Ambry Autosomal Dominant and X-Linked criteria (10/2015). Collection method: clinical testing. Allele origin: germline. Observed: 1 variant allele.

Biesecker Lab/Clinical Genomics Section, National Institutes of Health
Classification: Benign. Last evaluated: 2013-06-24. Review status: criteria provided, single submitter. Criteria: Ng et al. (Circ Cardiovasc Genet. 2013). Collection method: research. Allele origin: unknown. Observed: 1 variant allele. Study: ClinSeq.
Comment: The study set was not selected for affection status in relation to any cancer. Pathogenicity categories were based on literature curation. See Pubmed ID:23861362 for details.

Medical sequencing

Laboratory for Molecular Medicine, Mass General Brigham Personalized Medicine
Classification: Benign. Last evaluated: 2012-04-11. Review status: criteria provided, single submitter. Criteria: LMM Criteria. Collection method: clinical testing. Allele origin: germline. Observed: 22 variant alleles.
Comment: Arg10356His in exon 150 of TTN: This variant is not expected to have clinical si gnificance because it has been identified in 2.4% (67/2778) of African American chromosomes from a broad population by the NHLBI Exome Sequencing Project (dbSNP rs59887778).

Breakthrough Genomics
Classification: Likely benign. Review status: criteria provided, single submitter. Criteria: ACMG Guidelines, 2015. Collection method: not provided. Allele origin: germline. Inheritance: Autosomal recessive inheritance. Affected: yes.

Clinical Genetics DNA and cytogenetics Diagnostics Lab, Erasmus MC, Erasmus Medical Center
Classification: Benign. Review status: no assertion criteria provided. Collection method: clinical testing. Allele origin: germline. Affected: yes. Study: VKGL Data-share Consensus. Not counted in ClinVar's aggregate classification.

Clinical Genetics, Academic Medical Center
Classification: Benign. Review status: no assertion criteria provided. Collection method: clinical testing. Allele origin: germline. Affected: yes. Study: VKGL Data-share Consensus. Not counted in ClinVar's aggregate classification.

Joint Genome Diagnostic Labs from Nijmegen and Maastricht, Radboudumc and MUMC+
Classification: Benign. Review status: no assertion criteria provided. Collection method: clinical testing. Allele origin: germline. Affected: yes. Study: VKGL Data-share Consensus. Not counted in ClinVar's aggregate classification.

Laboratory of Diagnostic Genome Analysis, Leiden University Medical Center (LUMC)
Classification: Likely benign. Review status: no assertion criteria provided. Collection method: clinical testing. Allele origin: germline. Affected: yes. Study: VKGL Data-share Consensus. Not counted in ClinVar's aggregate classification.